The following is an entry in ClinVar:

NM_006642.5(SDCCAG8):c.778C>G (p.Leu260Val)

Gene: SDCCAG8 (SHH signaling and ciliogenesis regulator SDCCAG8; plus strand). Cytogenetic location: 1q43.
Variant type: single nucleotide variant.
Coding change: c.778C>G on transcript NM_006642.5 (MANE Select); coding-DNA position 778, C replaced by G.
Protein change: p.Leu260Val; replaces leucine 260 with valine.
Molecular consequence: missense variant. On other transcripts: 5 prime UTR variant (3).
Genome position (GRCh38, 1-based): chr1:243,308,026, C>G. VCF-style: chr1-243308026-C-G. GRCh37 (hg19) VCF-style: chr1-243471328-C-G.
Other names: c.-126C>G (NM_001350246.2, NM_001350247.2, NM_001350251.2); c.874C>G, p.Leu292Val (NM_001350248.2); c.484C>G, p.Leu162Val (NM_001350249.2); short protein forms L260V, L162V, L292V.
Identifiers: ClinVar variation 436676 (VCV000436676.24), dbSNP rs201869920, ClinGen allele CA1483446.

ClinVar aggregate classification (germline): Conflicting classifications of pathogenicity. Review status: criteria provided, conflicting classifications (1 of 4 stars). 11 submissions from 10 submitters: Uncertain significance (5); Likely benign (2). 4 of the submissions do not count toward it. Last evaluated 2024-11-18.

Conditions:
Kidney disorder. Also called: Kidney disease; Kidney Diseases; renal disorder; renal disease; Nephropathy. Identifiers: MedGen C0022658, MONDO:0005240, HP:0000112.
Bardet-Biedl syndrome 16 (BBS16). Identifiers: Orphanet 110, MedGen C3889474, MONDO:0014444, OMIM 615993.
Senior-Loken syndrome 7 (SLSN7). Identifiers: Orphanet 3156, MedGen C3150877, MONDO:0013326, OMIM 613615.
Retinal dystrophy. Also called: Inherited retinal dystrophy. Identifiers: Orphanet 71862, MedGen C0854723, MeSH D058499, MONDO:0019118, HP:0000556.
SDCCAG8-related disorder. Also called: SDCCAG8-Related Disorders; SDCCAG8-related condition.

Allele frequency attached by ClinVar (database versions not stated): 1000 Genomes Project 0.00020; ESP Exome Variant Server 0.00023; 1000 Genomes Project 30x 0.00031; ExAC 0.00041; TOPMed 0.00043; gnomAD 0.00046 and 0.00050; gnomAD exomes 0.00060 and 0.00076.
gnomAD v4.1: 1,184 of 1,614,102 alleles (0.073%); highest among the groups gnomAD compares: Middle Eastern, 0.16%; no homozygotes.

Submissions (11):

Blueprint Genetics
Classification: Likely benign. Last evaluated: 2024-11-18. Review status: criteria provided, single submitter. Criteria: ACMG Guidelines, 2015. Collection method: clinical testing. Allele origin: germline.

Fulgent Genetics
Classification: Likely benign for Senior-Loken syndrome 7; Bardet-Biedl syndrome 16. Last evaluated: 2024-06-11. Review status: criteria provided, single submitter. Criteria: ACMG Guidelines, 2015. Collection method: clinical testing. Allele origin: germline.

Labcorp Genetics (formerly Invitae), Labcorp
Classification: Uncertain significance for Bardet-Biedl syndrome 16; Senior-Loken syndrome 7. Last evaluated: 2022-10-18. Review status: criteria provided, single submitter. Criteria: Invitae Variant Classification Sherloc (09022015). Collection method: clinical testing. Allele origin: germline.
Comment: This sequence change replaces leucine, which is neutral and non-polar, with valine, which is neutral and non-polar, at codon 260 of the SDCCAG8 protein (p.Leu260Val). This variant is present in population databases (rs201869920, gnomAD 0.2%), and has an allele count higher than expected for a pathogenic variant. This variant has not been reported in the literature in individuals affected with SDCCAG8-related conditions. ClinVar contains an entry for this variant (Variation ID: 436676). Advanced modeling of protein sequence and biophysical properties (such as structural, functional, and spatial information, amino acid conservation, physicochemical variation, residue mobility, and thermodynamic stability) performed at Invitae indicates that this missense variant is not expected to disrupt SDCCAG8 protein function. In summary, the available evidence is currently insufficient to determine the role of this variant in disease. Therefore, it has been classified as a Variant of Uncertain Significance.

Illumina Laboratory Services, Illumina
Classification: Uncertain significance for Bardet-Biedl syndrome 16. Last evaluated: 2018-01-12. Review status: criteria provided, single submitter. Criteria: ICSL Variant Classification Criteria 13 December 2019. Collection method: clinical testing. Allele origin: germline.

Illumina Laboratory Services, Illumina
Classification: Uncertain significance for Senior-Loken syndrome 7. Last evaluated: 2018-01-12. Review status: criteria provided, single submitter. Criteria: ICSL Variant Classification Criteria 13 December 2019. Collection method: clinical testing. Allele origin: germline.

Genome Diagnostics Laboratory, The Hospital for Sick Children
Classification: Uncertain significance for Kidney disorder. Last evaluated: 2017-05-10. Review status: criteria provided, single submitter. Criteria: ACMG Guidelines, 2015. Collection method: clinical testing. Allele origin: germline.

Genetic Services Laboratory, University of Chicago
Classification: Uncertain significance. Last evaluated: 2016-09-27. Review status: criteria provided, single submitter. Criteria: ACMG Guidelines, 2015. Collection method: clinical testing. Allele origin: germline. Affected: no.

Institute of Human Genetics, Univ. Regensburg, Univ. Regensburg
Classification: Uncertain significance for Retinal dystrophy. Last evaluated: 2023-01-01. Review status: no assertion criteria provided. Criteria: ACMG Guidelines, 2015. Collection method: clinical testing. Allele origin: germline. Affected: yes. Not counted in ClinVar's aggregate classification.

PreventionGenetics, part of Exact Sciences
Classification: Likely benign for SDCCAG8-related condition. Last evaluated: 2020-09-02. Review status: no assertion criteria provided. Collection method: clinical testing. Allele origin: germline. Not counted in ClinVar's aggregate classification.
Comment: This variant is classified as likely benign based on ACMG/AMP sequence variant interpretation guidelines (Richards et al. 2015 PMID: 25741868, with internal and published modifications).

Clinical Genetics DNA and cytogenetics Diagnostics Lab, Erasmus MC, Erasmus Medical Center
Classification: Uncertain significance. Review status: no assertion criteria provided. Collection method: clinical testing. Allele origin: germline. Affected: yes. Study: VKGL Data-share Consensus. Not counted in ClinVar's aggregate classification.

Clinical Genetics, Academic Medical Center
Classification: Uncertain significance. Review status: no assertion criteria provided. Collection method: clinical testing. Allele origin: germline. Affected: yes. Study: VKGL Data-share Consensus. Not counted in ClinVar's aggregate classification.